The following is an entry in ClinVar:

ClinVar aggregate classification (germline): Likely benign. Review status: criteria provided, multiple submitters, no conflicts (2 of 4 stars). 2 submissions from 2 submitters: Likely benign (2). Last evaluated 2025-12-14.

Conditions:
SPG11-related disorder. Also called: SPG11-related condition.
Hereditary spastic paraplegia 11. Also called: Nakamura Osame syndrome; Autosomal recessive hereditary spastic paraplegia, mental impairment, and thin corpus callosum; Spastic paraplegia, mental retardation and thin corpus callosum; Spastic Paraplegia 11; SPASTIC PARAPLEGIA, AUTOSOMAL RECESSIVE, COMPLICATED, WITH THIN CORPUS CALLOSUM; SPASTIC PARAPLEGIA, AUTOSOMAL RECESSIVE, WITH MENTAL IMPAIRMENT AND THIN CORPUS CALLOSUM. Identifiers: Orphanet 2822, MedGen C1858479, MONDO:0011445, OMIM 604360.

Allele frequency attached by ClinVar (database versions not stated): gnomAD 0.00001; 1000 Genomes Project 30x 0.00016; gnomAD exomes below 0.00001; TOPMed below 0.00001; 1000 Genomes Project 0.00020.
gnomAD v4.1: 6 of 1,595,152 alleles (0.00038%); highest among the groups gnomAD compares: Middle Eastern, 0.017%; no homozygotes.

Submissions (2):

Labcorp Genetics (formerly Invitae), Labcorp
Classification: Likely benign for Hereditary spastic paraplegia 11. Last evaluated: 2025-12-14. Review status: criteria provided, single submitter. Criteria: Invitae Variant Classification Sherloc (09022015). Collection method: clinical testing. Allele origin: germline.

PreventionGenetics, part of Exact Sciences
Classification: Likely benign for SPG11-related condition. Last evaluated: 2025-04-09. Review status: criteria provided, single submitter. Criteria: ACMG Guidelines, 2015. Collection method: clinical testing. Allele origin: germline.
Comment: This variant is classified as likely benign based on ACMG/AMP sequence variant interpretation guidelines (Richards et al. 2015 PMID: 25741868, with internal and published modifications).

NM_025137.4(SPG11):c.12G>A (p.Glu4=)

Gene: SPG11 (SPG11 vesicle trafficking associated, spatacsin; minus strand). Cytogenetic location: 15q21.1.
Variant type: single nucleotide variant.
Coding change: c.12G>A on transcript NM_025137.4 (MANE Select); coding-DNA position 12, G replaced by A.
Protein change: p.Glu4=; no amino-acid change (glutamic acid 4 retained).
Molecular consequence: synonymous variant.
Genome position (GRCh38, 1-based): chr15:44,663,636, C>T on the plus strand (G>A on the coding strand, the complement: SPG11 is on the minus strand). VCF-style: chr15-44663636-C-T. GRCh37 (hg19) VCF-style: chr15-44955834-C-T.
Other names: c.12G>A, p.Glu4= (NM_001160227.2, NM_001411132.1); c.12G>A (NM_025137.3).
Identifiers: ClinVar variation 2045599 (VCV002045599.5), dbSNP rs199952929, ClinGen allele CA7535989.